The following is an entry in ClinVar:

NM_024334.3(TMEM43):c.937G>C (p.Ala313Pro)

Gene: TMEM43 (transmembrane protein 43; plus strand). Cytogenetic location: 3p25.1.
Variant type: single nucleotide variant.
Coding change: c.937G>C on transcript NM_024334.3 (MANE Select); coding-DNA position 937, G replaced by C.
Protein change: p.Ala313Pro; replaces alanine 313 with proline.
Molecular consequence: missense variant.
Genome position (GRCh38, 1-based): chr3:14,139,234, G>C. VCF-style: chr3-14139234-G-C. GRCh37 (hg19) VCF-style: chr3-14180734-G-C.
Other names: c.940G>C, p.Ala314Pro (NM_001407274.1); c.934G>C, p.Ala312Pro (NM_001407275.1, NM_001407276.1); c.931G>C, p.Ala311Pro (NM_001407277.1); c.922G>C, p.Ala308Pro (NM_001407278.1); c.862G>C, p.Ala288Pro (NM_001407279.1); c.787G>C, p.Ala263Pro (NM_001407280.1); short protein forms A263P, A288P, A308P, A311P, A312P, A313P, A314P.
Identifiers: ClinVar variation 3073523 (VCV003073523.1), dbSNP rs2124995269, ClinGen allele CA351536192.

ClinVar aggregate classification (germline): Uncertain significance (1 of 4 stars; one submission).

Conditions:
Arrhythmogenic right ventricular dysplasia 5. Also called: Arrhythmogenic Right Ventricular Dysplasia/Cardiomyopathy 5; ARRHYTHMOGENIC RIGHT VENTRICULAR DYSPLASIA, FAMILIAL, 5. Identifiers: MedGen C1858379, MONDO:0011459, OMIM 604400.

Submission:

All of Us Research Program, National Institutes of Health
Classification: Uncertain significance for Arrhythmogenic right ventricular dysplasia 5. Last evaluated: 2023-10-02. Review status: criteria provided, single submitter. Criteria: ACMG Guidelines, 2015. Collection method: clinical testing. Allele origin: germline. Inheritance: Autosomal dominant inheritance. Observed: 1 variant allele, 1 heterozygote.
Comment: This missense variant replaces alanine with proline at codon 313 of the TMEM43 protein. Computational prediction suggests that this variant may not impact protein structure and function (internally defined REVEL score threshold <= 0.5, PMID: 27666373). To our knowledge, functional studies have not been reported for this variant. This variant has not been reported in individuals affected with TMEM43-related disorders in the literature. This variant has not been identified in the general population by the Genome Aggregation Database (gnomAD). The available evidence is insufficient to determine the role of this variant in disease conclusively. Therefore, this variant is classified as a Variant of Uncertain Significance.

This study involves interpretation of variants in research participants for the purpose of population health screening. Participant phenotype was not available at the time of variant classification. Additional details can be found in publication PMID: 35346344, PMCID: PMC8962531